The following is an entry in ClinVar:

ClinVar aggregate classification (germline): Uncertain significance. Review status: criteria provided, multiple submitters, no conflicts (2 of 4 stars). 2 submissions from 2 submitters: Uncertain significance (2). Last evaluated 2025-12-20.

Allele frequency attached by ClinVar (database versions not stated): TOPMed 0.00006; ESP Exome Variant Server 0.00008; gnomAD exomes 0.00008 and 0.00015; gnomAD 0.00009 and 0.00011; ExAC 0.00019; 1000 Genomes Project 0.00040; 1000 Genomes Project 30x 0.00047.
gnomAD v4.1: 130 of 1,482,688 alleles (0.0088%); highest among the groups gnomAD compares: South Asian, 0.079%; no homozygotes.

Submissions (2):

Labcorp Genetics (formerly Invitae), Labcorp
Classification: Uncertain significance. Last evaluated: 2025-12-20. Review status: criteria provided, single submitter. Criteria: Invitae Variant Classification Sherloc (09022015). Collection method: clinical testing. Allele origin: germline.
Comment: This sequence change replaces proline, which is neutral and non-polar, with leucine, which is neutral and non-polar, at codon 768 of the MKL1 protein (p.Pro768Leu). This variant is present in population databases (rs374851752, gnomAD 0.1%), and has an allele count higher than expected for a pathogenic variant. This variant has not been reported in the literature in individuals affected with MKL1-related conditions. ClinVar contains an entry for this variant (Variation ID: 1682937). An algorithm developed to predict the effect of missense changes on protein structure and function (PolyPhen-2) suggests that this variant is likely to be disruptive. In summary, the available evidence is currently insufficient to determine the role of this variant in disease. Therefore, it has been classified as a Variant of Uncertain Significance.

Ambry Genetics
Classification: Uncertain significance. Last evaluated: 2023-09-13. Review status: criteria provided, single submitter. Criteria: Ambry Variant Classification Scheme 2023. Collection method: clinical testing. Allele origin: germline.

NM_020831.6(MRTFA):c.2603C>T (p.Pro868Leu)

Gene: MRTFA (myocardin related transcription factor A; minus strand). Cytogenetic location: 22q13.1.
Variant type: single nucleotide variant.
Coding change: c.2603C>T on transcript NM_020831.6 (MANE Select); coding-DNA position 2603, C replaced by T.
Protein change: p.Pro868Leu; replaces proline 868 with leucine.
Molecular consequence: missense variant. On other transcripts: synonymous variant (1).
Genome position (GRCh38, 1-based): chr22:40,411,883, G>A on the plus strand (C>T on the coding strand, the complement: MRTFA is on the minus strand). VCF-style: chr22-40411883-G-A. GRCh37 (hg19) VCF-style: chr22-40807887-G-A.
Other names: c.2303C>T, p.Pro768Leu (NM_001282660.2); c.2453C>T, p.Pro818Leu (NM_001282661.3); c.2613C>T, p.Ala871= (NM_001282662.3); c.2408C>T, p.Pro803Leu (NM_001318139.2); c.2303C>T (NM_020831.3); short protein forms P768L, P803L, P818L, P868L.
Identifiers: ClinVar variation 1682937 (VCV001682937.10), dbSNP rs374851752, ClinGen allele CA10249256.